The following is an entry in ClinVar:

ClinVar aggregate classification (germline): Likely pathogenic. Review status: criteria provided, single submitter (1 of 4 stars). 2 submissions from 2 submitters: Likely pathogenic (1). 1 of the submissions does not count toward it. Last evaluated 2024-01-04.

Conditions:
Familial dysautonomia. Also called: FD; HSAN III. Identifiers: Orphanet 1764, MedGen C0013364, MONDO:0009131, OMIM 223900. Disease mechanism: loss of function.

Submissions (2):

Labcorp Genetics (formerly Invitae), Labcorp
Classification: Likely pathogenic. Last evaluated: 2024-01-04. Review status: criteria provided, single submitter. Criteria: Invitae Variant Classification Sherloc (09022015). Collection method: clinical testing. Allele origin: germline.
Comment: This sequence change affects a donor splice site in intron 24 of the ELP1 gene. It is expected to disrupt RNA splicing. Variants that disrupt the donor or acceptor splice site typically lead to a loss of protein function (PMID: 16199547), and loss-of-function variants in ELP1 are known to be pathogenic (PMID: 18303054, 24173031). This variant is not present in population databases (gnomAD no frequency). This variant has not been reported in the literature in individuals affected with ELP1-related conditions. ClinVar contains an entry for this variant (Variation ID: 552276). Algorithms developed to predict the effect of sequence changes on RNA splicing suggest that this variant may disrupt the consensus splice site. In summary, the currently available evidence indicates that the variant is pathogenic, but additional data are needed to prove that conclusively. Therefore, this variant has been classified as Likely Pathogenic.

Counsyl
Classification: Likely pathogenic for Familial dysautonomia. Last evaluated: 2017-06-01. Review status: no assertion criteria provided. Collection method: clinical testing. Allele origin: unknown. Not counted in ClinVar's aggregate classification.

Literature cited by the submitters: PubMed 16199547 (cited by Labcorp Genetics (formerly Invitae), Labcorp); PubMed 18303054 (cited by Labcorp Genetics (formerly Invitae), Labcorp); PubMed 24173031 (cited by Labcorp Genetics (formerly Invitae), Labcorp).

NM_003640.5(ELP1):c.2587+2T>G

Gene: ELP1 (elongator acetyltransferase complex subunit 1; minus strand). Cytogenetic location: 9q31.3.
Variant type: single nucleotide variant.
Coding change: c.2587+2T>G on transcript NM_003640.5 (MANE Select); the canonical splice donor site of the intron after coding-DNA position 2587, T replaced by G.
Molecular consequence: splice donor variant.
Genome position (GRCh38, 1-based): chr9:108,896,951, A>C on the plus strand (T>G on the coding strand, the complement: ELP1 is on the minus strand). VCF-style: chr9-108896951-A-C. GRCh37 (hg19) VCF-style: chr9-111659231-A-C.
Other names: c.2245+2T>G (NM_001318360.2); c.1540+2T>G (NM_001330749.2).
Identifiers: ClinVar variation 552276 (VCV000552276.5), dbSNP rs1554695299, ClinGen allele CA374420272.